The following is an entry in ClinVar:

NM_138927.4(SON):c.921_923del (p.Val308del)

Gene: SON (SON DNA and RNA binding protein; plus strand). Cytogenetic location: 21q22.11.
Variant type: Deletion.
Coding change: c.921_923del on transcript NM_138927.4 (MANE Select); coding-DNA positions 921 to 923, 3 bases deleted (GGT; older notation c.921_923delGGT).
Protein change: p.Val308del; deletes valine 308.
Molecular consequence: inframe deletion. On other transcripts: non-coding transcript variant (1), intron variant (1).
Genome position (GRCh38, 1-based): chr21:33,550,152-33,550,154, GGT deleted; deleting any 3 consecutive bases within chr21:33,550,150-33,550,154 gives the same sequence; the c. name uses the placement nearest the transcript's 3' end. VCF-style (leftmost placement, unchanged base first): chr21-33550149-TGTG-T. GRCh37 (hg19) VCF-style: chr21-34922455-TGTG-T.
Other names: c.921_923del, p.Val308del (NM_001291411.2, NM_032195.3); c.244+3773_244+3775del (NM_001291412.3); short protein forms V308del.
Identifiers: ClinVar variation 4707731 (VCV004707731.1).

ClinVar aggregate classification (germline): Uncertain significance (1 of 4 stars; one submission).

Submission:

Labcorp Genetics (formerly Invitae), Labcorp
Classification: Uncertain significance. Last evaluated: 2025-06-08. Review status: criteria provided, single submitter. Criteria: Invitae Variant Classification Sherloc (09022015). Collection method: clinical testing. Allele origin: germline.
Comment: This variant, c.921_923del, results in the deletion of 1 amino acid(s) of the SON protein (p.Val308del), but otherwise preserves the integrity of the reading frame. This variant is present in population databases (rs747540807, gnomAD 0.02%). This variant has not been reported in the literature in individuals affected with SON-related conditions. Experimental studies and prediction algorithms are not available or were not evaluated, and the functional significance of this variant is currently unknown. In summary, the available evidence is currently insufficient to determine the role of this variant in disease. Therefore, it has been classified as a Variant of Uncertain Significance.